The following is an entry in ClinVar:

NM_000179.3(MSH6):c.385G>T (p.Val129Phe)

Gene: MSH6 (mutS homolog 6; plus strand). Cytogenetic location: 2p16.3.
Variant type: single nucleotide variant.
Coding change: c.385G>T on transcript NM_000179.3 (MANE Select); coding-DNA position 385, G replaced by T.
Protein change: p.Val129Phe; replaces valine 129 with phenylalanine.
Molecular consequence: missense variant. On other transcripts: 5 prime UTR variant (2), intron variant (1).
Genome position (GRCh38, 1-based): chr2:47,791,051, G>T. VCF-style: chr2-47791051-G-T. GRCh37 (hg19) VCF-style: chr2-48018190-G-T.
Other names: c.-352G>T (NM_001281493.2, NM_001406811.1, NM_001406823.1 and 1 more transcripts); c.-518G>T (NM_001281494.2); c.481G>T, p.Val161Phe (NM_001406795.1, NM_001406802.1); c.385G>T, p.Val129Phe (NM_001406796.1, NM_001406798.1, NM_001406800.1 and 6 more transcripts); c.88G>T, p.Val30Phe (NM_001406797.1, NM_001406801.1, NM_001406805.1 and 10 more transcripts); c.307G>T, p.Val103Phe (NM_001406804.1); c.-544G>T (NM_001406807.1); c.-610G>T (NM_001406814.1); and 2 more; short protein forms V161F, V103F, V30F, V129F, V73F.
Identifiers: ClinVar variation 2034447 (VCV002034447.5), dbSNP rs1572708884, ClinGen allele CA346737056.

ClinVar aggregate classification (germline): Uncertain significance. Review status: criteria provided, multiple submitters, no conflicts (2 of 4 stars). 2 submissions from 2 submitters: Uncertain significance (2). Last evaluated 2026-02-21.

Conditions:
Hereditary cancer-predisposing syndrome. Also called: Neoplastic Syndromes, Hereditary; Tumor predisposition; Hereditary Cancer Syndrome; Hereditary neoplastic syndrome. Identifiers: Orphanet 140162, MedGen C0027672, MeSH D009386, MONDO:0015356.
Hereditary nonpolyposis colorectal neoplasms. Identifiers: MedGen C0009405, MeSH D003123.

Submissions (2):

Ambry Genetics
Classification: Uncertain significance for Hereditary cancer-predisposing syndrome. Last evaluated: 2026-02-21. Review status: criteria provided, single submitter. Criteria: Ambry Variant Classification Scheme 2023. Collection method: clinical testing. Allele origin: germline.
Comment: The p.V129F variant (also known as c.385G>T), located in coding exon 2 of the MSH6 gene, results from a G to T substitution at nucleotide position 385. The valine at codon 129 is replaced by phenylalanine, an amino acid with highly similar properties. This amino acid position is conserved. In addition, this alteration is predicted to be tolerated by in silico analysis. Based on the available evidence, the clinical significance of this variant remains unclear.

Labcorp Genetics (formerly Invitae), Labcorp
Classification: Uncertain significance for Hereditary nonpolyposis colorectal neoplasms. Last evaluated: 2021-12-06. Review status: criteria provided, single submitter. Criteria: Invitae Variant Classification Sherloc (09022015). Collection method: clinical testing. Allele origin: germline.
Comment: This variant has not been reported in the literature in individuals affected with MSH6-related conditions. In summary, the available evidence is currently insufficient to determine the role of this variant in disease. Therefore, it has been classified as a Variant of Uncertain Significance. Advanced modeling of protein sequence and biophysical properties (such as structural, functional, and spatial information, amino acid conservation, physicochemical variation, residue mobility, and thermodynamic stability) performed at Invitae indicates that this missense variant is not expected to disrupt MSH6 protein function. This variant is not present in population databases (gnomAD no frequency). This sequence change replaces valine, which is neutral and non-polar, with phenylalanine, which is neutral and non-polar, at codon 129 of the MSH6 protein (p.Val129Phe).